The following is an entry in ClinVar:

NM_001267550.2(TTN):c.68664G>A (p.Trp22888Ter)

Genes: TTN-AS1 (TTN antisense RNA 1; plus strand), TTN (titin; minus strand). Cytogenetic location: 2q31.2.
Variant type: single nucleotide variant.
Coding change: c.68664G>A on transcript NM_001267550.2 (MANE Select); coding-DNA position 68664, G replaced by A.
Protein change: p.Trp22888Ter; replaces tryptophan 22888 with a stop codon.
Molecular consequence: nonsense.
Genome position (GRCh38, 1-based): chr2:178,577,762, C>T on the plus strand (G>A on the coding strand, the complement: TTN is on the minus strand). VCF-style: chr2-178577762-C-T. GRCh37 (hg19) VCF-style: chr2-179442489-C-T.
Other names: c.63741G>A, p.Trp21247Ter (NM_001256850.1); c.41469G>A, p.Trp13823Ter (NM_003319.4); c.60960G>A, p.Trp20320Ter (NM_133378.4); c.41844G>A, p.Trp13948Ter (NM_133432.3); c.42045G>A, p.Trp14015Ter (NM_133437.4); short protein forms W22888*, W20320*, W21247*, W13823*, W13948*, W14015*.
Identifiers: ClinVar variation 958293 (VCV000958293.10), dbSNP rs2046761831, ClinGen allele CA349671438.

ClinVar aggregate classification (germline): Likely pathogenic (1 of 4 stars; one submission).

Conditions:
Dilated cardiomyopathy 1G (CMD1G). Identifiers: Orphanet 154, MedGen C1858763, MONDO:0011400, OMIM 604145.
Autosomal recessive limb-girdle muscular dystrophy type 2J (LGMDR10). Also called: Limb-girdle muscular dystrophy, type 2J; MUSCULAR DYSTROPHY, LIMB-GIRDLE, AUTOSOMAL RECESSIVE 10. Identifiers: Orphanet 140922, MedGen C1837342, MONDO:0012127, OMIM 608807.

Allele frequency attached by ClinVar (database versions not stated): gnomAD exomes below 0.00001.
gnomAD v4.1: 1 of 1,613,344 alleles (0.000062%); highest among the groups gnomAD compares: Non-Finnish European, 0.000085%; no homozygotes.

Submission:

Labcorp Genetics (formerly Invitae), Labcorp
Classification: Likely pathogenic for Dilated cardiomyopathy 1G; Autosomal recessive limb-girdle muscular dystrophy type 2J. Last evaluated: 2022-03-19. Review status: criteria provided, single submitter. Criteria: Invitae Variant Classification Sherloc (09022015). Collection method: clinical testing. Allele origin: germline.
Comment: In summary, the currently available evidence indicates that the variant is pathogenic, but additional data are needed to prove that conclusively. Therefore, this variant has been classified as Likely Pathogenic. This variant is located in the A band of TTN (PMID: 25589632). Truncating variants in this region are significantly overrepresented in patients affected with dilated cardiomyopathy (PMID: 25589632). Truncating variants in this region have also been reported in individuals affected with autosomal recessive centronuclear myopathy (PMID: 23975875). ClinVar contains an entry for this variant (Variation ID: 958293). This variant has not been reported in the literature in individuals affected with TTN-related conditions. This variant is not present in population databases (gnomAD no frequency). This sequence change creates a premature translational stop signal (p.Trp22888*) in the TTN gene. While this is not anticipated to result in nonsense mediated decay, it is expected to create a truncated TTN protein.

Literature cited by the submitters: PubMed 25589632; PubMed 23975875.